The following is an entry in ClinVar:

ClinVar aggregate classification (germline): Pathogenic (1 of 4 stars; one submission).

Conditions:
Familial cancer of breast. Also called: Hereditary breast cancer; hereditary breast carcinoma; BREAST CANCER, FAMILIAL. Identifiers: Orphanet 227535, MedGen C0346153, MONDO:0016419, OMIM 114480. Disease mechanism: loss of function.

Submission:

Labcorp Genetics (formerly Invitae), Labcorp
Classification: Pathogenic for Familial cancer of breast. Last evaluated: 2020-12-27. Review status: criteria provided, single submitter. Criteria: Invitae Variant Classification Sherloc (09022015). Collection method: clinical testing. Allele origin: germline.
Comment: For these reasons, this variant has been classified as Pathogenic. This variant has not been reported in the literature in individuals with PALB2-related conditions. This variant is not present in population databases (ExAC no frequency). This sequence change creates a premature translational stop signal (p.Asp301*) in the PALB2 gene. It is expected to result in an absent or disrupted protein product. Loss-of-function variants in PALB2 are known to be pathogenic (PMID: 17200668, 24136930, 25099575).

Literature cited by the submitters: PubMed 17200668; PubMed 24136930; PubMed 25099575.

NM_024675.4(PALB2):c.901_902del (p.Thr300_Asp301insTer)

Gene: PALB2 (partner and localizer of BRCA2; minus strand). Cytogenetic location: 16p12.2.
Variant type: Deletion.
Coding change: c.901_902del on transcript NM_024675.4 (MANE Select); coding-DNA positions 901 to 902, 2 bases deleted (GA; older notation c.901_902delGA).
Protein change: p.Thr300_Asp301insTer.
Molecular consequence: nonsense.
Genome position (GRCh38, 1-based): chr16:23,635,644-23,635,645, TC deleted on the plus strand (GA on the coding strand, the reverse complement: PALB2 is on the minus strand); deleting any 2 consecutive bases within chr16:23,635,644-23,635,646 gives the same sequence; the c. name uses the placement nearest the transcript's 3' end. VCF-style (leftmost placement, unchanged base first): chr16-23635643-ATC-A. GRCh37 (hg19) VCF-style: chr16-23646964-ATC-A.
Identifiers: ClinVar variation 1455964 (VCV001455964.7), dbSNP rs2142431560, ClinGen allele CA2573152200.
Genomic context (GRCh38, chr16:23,635,643, plus strand): 5'-TAAATTAGAACTTGTGGGCAGTTGGCCACTTTTACTTATAGCTTTATTTACAAGGAGGTT[ATC>A]TGTAGAGACAGTCATTTTTTTGCCTTGTGCCTCCAAACTTACAGGTGAAGTAAATCTAAT-3'